The following is an entry in ClinVar:

ClinVar aggregate classification (germline): Benign (1 of 4 stars; one submission).

Allele frequency attached by ClinVar (database versions not stated): ESP Exome Variant Server 0.00015; 1000 Genomes Project 0.00040; 1000 Genomes Project 30x 0.00047.
gnomAD v4.1: 309 of 1,614,068 alleles (0.019%); highest among the groups gnomAD compares: Admixed American, 0.16%; no homozygotes.

Submission:

CeGaT Center for Human Genetics Tuebingen
Classification: Benign. Last evaluated: 2022-10-01. Review status: criteria provided, single submitter. Criteria: CeGaT Center For Human Genetics Tuebingen Variant Classification Criteria Version 2. Collection method: clinical testing. Allele origin: germline. Affected: yes. Observed: 1 variant allele.
Comment: UBR4: BS1, BS2

NM_020765.3(UBR4):c.2702G>A (p.Arg901His)

Gene: UBR4 (ubiquitin protein ligase E3 component n-recognin 4; minus strand). Cytogenetic location: 1p36.13.
Variant type: single nucleotide variant.
Coding change: c.2702G>A on transcript NM_020765.3 (MANE Select); coding-DNA position 2702, G replaced by A.
Protein change: p.Arg901His; replaces arginine 901 with histidine.
Molecular consequence: missense variant.
Genome position (GRCh38, 1-based): chr1:19,176,663, C>T on the plus strand (G>A on the coding strand, the complement: UBR4 is on the minus strand). VCF-style: chr1-19176663-C-T. GRCh37 (hg19) VCF-style: chr1-19503157-C-T.
Other names: short protein forms R901H.
Identifiers: ClinVar variation 2638425 (VCV002638425.24), dbSNP rs142636344, ClinGen allele CA651344.